The following is an entry in ClinVar:

NM_000038.6(APC):c.1409-2234C>T

Gene: APC (APC regulator of WNT signaling pathway; plus strand). Cytogenetic location: 5q22.2.
Variant type: single nucleotide variant.
Coding change: c.1409-2234C>T on transcript NM_000038.6 (MANE Select); 2234 bases into the intron before coding-DNA position 1409, C replaced by T.
Molecular consequence: intron variant.
Genome position (GRCh38, 1-based): chr5:112,824,874, C>T. VCF-style: chr5-112824874-C-T. GRCh37 (hg19) VCF-style: chr5-112160571-C-T.
Other names: c.1409-2234C>T (NM_001354895.2, NM_001127510.3); c.1439-2234C>T (NM_001354897.2); c.1136-2234C>T (NM_001354902.2); c.1355-2234C>T (NM_001127511.3); c.1334-2234C>T (NM_001354898.2); c.1031-2234C>T (NM_001354904.2); c.560-2234C>T (NM_001354906.2); c.1462+1514C>T (NM_001354896.2); and 5 more.
Identifiers: ClinVar variation 82577 (VCV000082577.2), dbSNP rs76616867, ClinGen allele CA005032.

ClinVar aggregate classification (germline): other (0 of 4 stars; one submission).

Conditions:
Familial colorectal cancer. Identifiers: MedGen CN280943, MONDO:0023113. Disease mechanism: loss of function.

Allele frequency attached by ClinVar (database versions not stated): TOPMed 0.00002.

Submission:

Systems Biology Platform Zhejiang California International NanoSystems Institute
Classification: other for Familial colorectal cancer. Review status: no assertion criteria provided. Collection method: not provided. Allele origin: unknown.
ClinVar note: Converted during submission from cancer to other.